The following is an entry in ClinVar:

ClinVar aggregate classification (germline): Pathogenic (1 of 4 stars; one submission).

Conditions:
Agammaglobulinemia 3, autosomal recessive (AGM3). Also called: AGAMMAGLOBULINEMIA 3; AGAMMAGLOBULINEMIA, AUTOSOMAL RECESSIVE, DUE TO CD79A DEFECT. Identifiers: MedGen C3150751, MONDO:0013288, OMIM 613501.

Submission:

Labcorp Genetics (formerly Invitae), Labcorp
Classification: Pathogenic for Agammaglobulinemia 3, autosomal recessive. Last evaluated: 2025-12-03. Review status: criteria provided, single submitter. Criteria: Invitae Variant Classification Sherloc (09022015). Collection method: clinical testing. Allele origin: germline.
Comment: This sequence change creates a premature translational stop signal (p.Ala23Thrfs*18) in the CD79A gene. It is expected to result in an absent or disrupted protein product. Loss-of-function variants in CD79A are known to be pathogenic (PMID: 10525050, 24481606). This variant is not present in population databases (gnomAD no frequency). This variant has not been reported in the literature in individuals affected with CD79A-related conditions. For these reasons, this variant has been classified as Pathogenic.

Literature cited by the submitters: PubMed 10525050; PubMed 24481606.

NM_001783.4(CD79A):c.67_73del (p.Ala23fs)

Genes: CD79A (CD79a molecule; plus strand), RPS19-CD79A (RPS19-CD79A readthrough; plus strand). Cytogenetic location: 19q13.2.
Variant type: Microsatellite.
Coding change: c.67_73del on transcript NM_001783.4 (MANE Select); coding-DNA positions 67 to 73, 7 bases deleted (GCTGTCT; older notation c.67_73delGCTGTCT).
Protein change: p.Ala23fs; shifts the reading frame from alanine 23.
Molecular consequence: frameshift variant.
Genome position (GRCh38, 1-based): chr19:41,877,371-41,877,377, GCTGTCT deleted; deleting any 7 consecutive bases within chr19:41,877,362-41,877,377 gives the same sequence; the c. name uses the placement nearest the transcript's 3' end. VCF-style (leftmost placement, unchanged base first): chr19-41877361-CCTGCTGT-C. GRCh37 (hg19) VCF-style: chr19-42381431-CCTGCTGT-C.
Other names: c.67_73del, p.Ala23fs (NM_021601.4); short protein forms A23fs.
Identifiers: ClinVar variation 4781785 (VCV004781785.1).